The following is an entry in ClinVar:

NM_015488.5(PNKD):c.352+12C>T

Genes: CATIP-AS2 (CATIP antisense RNA 2; minus strand), PNKD (PNKD metallo-beta-lactamase domain containing; plus strand). Cytogenetic location: 2q35.
Variant type: single nucleotide variant.
Coding change: c.352+12C>T on transcript NM_015488.5 (MANE Select); 12 bases into the intron after coding-DNA position 352, C replaced by T.
Molecular consequence: intron variant.
Genome position (GRCh38, 1-based): chr2:218,339,910, C>T. VCF-style: chr2-218339910-C-T. GRCh37 (hg19) VCF-style: chr2-219204633-C-T.
Other names: c.280+12C>T (NM_022572.4).
Identifiers: ClinVar variation 334314 (VCV000334314.13), dbSNP rs201092853, ClinGen allele CA2103906.

ClinVar aggregate classification (germline): Benign/Likely benign. Review status: criteria provided, multiple submitters, no conflicts (2 of 4 stars). 3 submissions from 3 submitters: Benign (2); Likely benign (1). Last evaluated 2026-01-13.

Conditions:
Paroxysmal nonkinesigenic dyskinesia. Also called: Paroxysmal non-kinesigenic dyskinesia. Identifiers: Orphanet 98810, MedGen C1869117, MONDO:0700088.
Paroxysmal nonkinesigenic dyskinesia 1 (PNKD1). Also called: Familial Paroxysmal Nonkinesigenic Dyskinesia; Nonkinesigenic choreoathetosis; Familial paroxysmal choreoathetosis; MOUNT-REBACK SYNDROME; PAROXYSMAL DYSTONIC CHOREOATHETOSIS; PxMD-PNKD. Identifiers: Orphanet 98810, MedGen C4551506, MONDO:0700089, OMIM 118800, MONDO:0007326.

Allele frequency attached by ClinVar (database versions not stated): gnomAD 0.00064 and 0.00062; gnomAD exomes 0.00080 and 0.00043; 1000 Genomes Project 30x 0.00031; 1000 Genomes Project 0.00040; ESP Exome Variant Server 0.00115; TOPMed 0.00061; ExAC 0.00069.
gnomAD v4.1: 775 of 1,578,344 alleles (0.049%); highest among the groups gnomAD compares: Middle Eastern, 0.32%; 3 homozygotes.

Submissions (3):

Labcorp Genetics (formerly Invitae), Labcorp
Classification: Benign for Paroxysmal nonkinesigenic dyskinesia. Last evaluated: 2026-01-13. Review status: criteria provided, single submitter. Criteria: Invitae Variant Classification Sherloc (09022015). Collection method: clinical testing. Allele origin: germline.

Blueprint Genetics
Classification: Likely benign. Last evaluated: 2024-11-13. Review status: criteria provided, single submitter. Criteria: ACMG Guidelines, 2015. Collection method: clinical testing. Allele origin: germline.

Illumina Laboratory Services, Illumina
Classification: Benign for Paroxysmal nonkinesigenic dyskinesia 1. Last evaluated: 2018-01-13. Review status: criteria provided, single submitter. Criteria: ICSL Variant Classification Criteria 13 December 2019. Collection method: clinical testing. Allele origin: germline.
Comment: This variant was observed in the ICSL laboratory as part of a predisposition screen in an ostensibly healthy population. It had not been previously curated by ICSL or reported in the Human Gene Mutation Database (HGMD: prior to June 1st, 2018), and was therefore a candidate for classification through an automated scoring system. Utilizing variant allele frequency, disease prevalence and penetrance estimates, and inheritance mode, an automated score was calculated to assess if this variant is too frequent to cause the disease. Based on the score and internal cut-off values, a variant classified as benign is not then subjected to further curation. The score for this variant resulted in a classification of benign for this disease.